The following is an entry in ClinVar:

NM_001267550.2(TTN):c.88311T>C (p.Gly29437=)

Genes: TTN (titin; minus strand), TTN-AS1 (TTN antisense RNA 1; plus strand). Cytogenetic location: 2q31.2.
Variant type: single nucleotide variant.
Coding change: c.88311T>C on transcript NM_001267550.2 (MANE Select); coding-DNA position 88311, T replaced by C.
Protein change: p.Gly29437=; no amino-acid change (glycine 29437 retained).
Molecular consequence: synonymous variant.
Genome position (GRCh38, 1-based): chr2:178,555,148, A>G on the plus strand (T>C on the coding strand, the complement: TTN is on the minus strand). VCF-style: chr2-178555148-A-G. GRCh37 (hg19) VCF-style: chr2-179419875-A-G.
Other names: c.83388T>C, p.Gly27796= (NM_001256850.1); c.61116T>C, p.Gly20372= (NM_003319.4); c.80607T>C, p.Gly26869= (NM_133378.4); c.61491T>C, p.Gly20497= (NM_133432.3); c.61692T>C, p.Gly20564= (NM_133437.4).
Identifiers: ClinVar variation 238861 (VCV000238861.14), dbSNP rs878854429, ClinGen allele CA10581834.

ClinVar aggregate classification (germline): Likely benign. Review status: criteria provided, multiple submitters, no conflicts (2 of 4 stars). 3 submissions from 3 submitters: Likely benign (3). Last evaluated 2026-05-09.

Conditions:
Cardiovascular phenotype. Identifiers: MedGen CN230736.
TTN-related disorder. Also called: TTN-related condition; TTN-related disease; TTN-related disorders.
Autosomal recessive limb-girdle muscular dystrophy type 2J (LGMDR10). Also called: MUSCULAR DYSTROPHY, LIMB-GIRDLE, AUTOSOMAL RECESSIVE 10; Limb-girdle muscular dystrophy, type 2J. Identifiers: Orphanet 140922, MedGen C1837342, MONDO:0012127, OMIM 608807.
Dilated cardiomyopathy 1G (CMD1G). Identifiers: Orphanet 154, MedGen C1858763, MONDO:0011400, OMIM 604145.

Submissions (3):

PreventionGenetics, part of Exact Sciences
Classification: Likely benign for TTN-related condition. Last evaluated: 2026-05-09. Review status: criteria provided, single submitter. Criteria: ACMG Guidelines, 2015. Collection method: clinical testing. Allele origin: germline.
Comment: This variant is classified as likely benign based on ACMG/AMP sequence variant interpretation guidelines (Richards et al. 2015 PMID: 25741868, with internal and published modifications).

Labcorp Genetics (formerly Invitae), Labcorp
Classification: Likely benign for Dilated cardiomyopathy 1G; Autosomal recessive limb-girdle muscular dystrophy type 2J. Last evaluated: 2025-12-13. Review status: criteria provided, single submitter. Criteria: Invitae Variant Classification Sherloc (09022015). Collection method: clinical testing. Allele origin: germline.

Ambry Genetics
Classification: Likely benign for Cardiovascular phenotype. Last evaluated: 2023-01-12. Review status: criteria provided, single submitter. Criteria: Ambry Variant Classification Scheme 2023. Collection method: clinical testing. Allele origin: germline.